The following is an entry in ClinVar:

NM_001291867.2(NHS):c.828G>A (p.Glu276=)

Gene: NHS (NHS actin remodeling regulator; plus strand). Cytogenetic location: Xp22.13.
Variant type: single nucleotide variant.
Coding change: c.828G>A on transcript NM_001291867.2 (MANE Select); coding-DNA position 828, G replaced by A.
Protein change: p.Glu276=; no amino-acid change (glutamic acid 276 retained).
Molecular consequence: synonymous variant.
Genome position (GRCh38, 1-based): chrX:17,692,444, G>A. VCF-style: chrX-17692444-G-A. GRCh37 (hg19) VCF-style: chrX-17710564-G-A.
Other names: c.297G>A, p.Glu99= (NM_001136024.4, NM_001291868.2); c.828G>A, p.Glu276= (NM_198270.4).
Identifiers: ClinVar variation 196598 (VCV000196598.60), dbSNP rs147497359, ClinGen allele CA202463.
Genomic context (GRCh38, chrX:17,692,444, plus strand): 5'-TTCCATTGCAGCTCCTCCACTGCCAGCCTACCCTCCAGCTCACAGCCAGAGGAGGCGTGA[G>A]TTTAAGGACCGTCACTTTTTAACGGTAAGTTTGGTGGCCACCTGCAGCCCTATGCTTGCT-3'
Protein context (NP_001278796.1, residues 266-286): YPPAHSQRRR[Glu276=]FKDRHFLTFN

ClinVar aggregate classification (germline): Benign/Likely benign. Review status: criteria provided, multiple submitters, no conflicts (2 of 4 stars). 8 submissions from 8 submitters: Benign (2); Likely benign (6). Last evaluated 2026-01-19.

Conditions:
NHS-related disorder. Also called: NHS-related condition.
Inborn genetic diseases. Identifiers: MedGen C0950123, MeSH D030342.
Nance-Horan syndrome (NHS). Identifiers: Orphanet 627, MedGen C0796085, MONDO:0010545, OMIM 302350.

Allele frequency attached by ClinVar (database versions not stated): gnomAD exomes 0.00019 and 0.00041; ExAC 0.00050; gnomAD 0.00085 and 0.00096; TOPMed 0.00110; ESP Exome Variant Server 0.00180.
gnomAD v4.1: 314 of 1,207,953 alleles (0.026%); highest among the groups gnomAD compares: Middle Eastern, 0.55%; 1 homozygote.

Submissions (8):

Labcorp Genetics (formerly Invitae), Labcorp
Classification: Benign for Nance-Horan syndrome. Last evaluated: 2026-01-19. Review status: criteria provided, single submitter. Criteria: Invitae Variant Classification Sherloc (09022015). Collection method: clinical testing. Allele origin: germline.

Blueprint Genetics
Classification: Likely benign. Last evaluated: 2024-11-28. Review status: criteria provided, single submitter. Criteria: ACMG Guidelines, 2015. Collection method: clinical testing. Allele origin: germline.

PreventionGenetics, part of Exact Sciences
Classification: Likely benign for NHS-related condition. Last evaluated: 2024-10-07. Review status: criteria provided, single submitter. Criteria: ACMG Guidelines, 2015. Collection method: clinical testing. Allele origin: germline.
Comment: This variant is classified as likely benign based on ACMG/AMP sequence variant interpretation guidelines (Richards et al. 2015 PMID: 25741868, with internal and published modifications).

CeGaT Center for Human Genetics Tuebingen
Classification: Likely benign. Last evaluated: 2020-09-01. Review status: criteria provided, single submitter. Criteria: CeGaT Center For Human Genetics Tuebingen Variant Classification Criteria Version 2. Collection method: clinical testing. Allele origin: germline. Affected: yes. Observed: 1 variant allele.

Ambry Genetics
Classification: Benign for Inborn genetic diseases. Last evaluated: 2018-03-16. Review status: criteria provided, single submitter. Criteria: Ambry Variant Classification Scheme 2023. Collection method: clinical testing. Allele origin: germline.

Genetic Services Laboratory, University of Chicago
Classification: Likely benign. Last evaluated: 2015-07-28. Review status: criteria provided, single submitter. Criteria: ACMG Guidelines, 2015. Collection method: clinical testing. Allele origin: germline.

Eurofins Ntd Llc (ga)
Classification: Likely benign. Last evaluated: 2015-04-07. Review status: criteria provided, single submitter. Criteria: EGL Classification Definitions 2015. Collection method: clinical testing. Allele origin: germline. Observed: 1 variant allele, 1 heterozygote.

Breakthrough Genomics
Classification: Likely benign. Review status: criteria provided, single submitter. Criteria: ACMG Guidelines, 2015. Collection method: not provided. Allele origin: germline. Inheritance: X-linked inheritance. Affected: yes.